The following is an entry in ClinVar:

ClinVar aggregate classification (germline): Uncertain significance. Review status: criteria provided, single submitter (1 of 4 stars). 3 submissions from 3 submitters: Uncertain significance (1). 2 of the submissions do not count toward it. Last evaluated 2014-02-27.

Conditions:
Autosomal recessive nonsyndromic hearing loss 77. Identifiers: Orphanet 90636, MedGen C2746083, MONDO:0013119, OMIM 613079.

Allele frequency attached by ClinVar (database versions not stated): gnomAD exomes 0.00001 and 0.00003; gnomAD 0.00002; TOPMed 0.00002; ExAC 0.00004.
gnomAD v4.1: 47 of 1,552,128 alleles (0.003%); highest among the groups gnomAD compares: Non-Finnish European, 0.0039%; no homozygotes.

Submissions (3):

Laboratory for Molecular Medicine, Mass General Brigham Personalized Medicine
Classification: Uncertain significance. Last evaluated: 2014-02-27. Review status: criteria provided, single submitter. Criteria: LMM Criteria. Collection method: clinical testing. Allele origin: germline. Observed: 1 variant allele.
Comment: The Gly1852Arg variant in LOXHD1 has not been previously reported in individuals with hearing loss or in large population studies. Computational prediction tool s and conservation analyses do not provide strong support for or against an impa ct to the protein. In summary, additional information is needed to determine th e clinical significance of this variant.

Natera, Inc.
Classification: Uncertain significance for Autosomal recessive deafness type 77. Last evaluated: 2019-10-28. Review status: no assertion criteria provided. Collection method: clinical testing. Allele origin: germline. Not counted in ClinVar's aggregate classification.

Division of Human Genetics, Children's Hospital of Philadelphia
Classification: Uncertain significance for Autosomal recessive nonsyndromic hearing loss 77. Last evaluated: 2015-01-22. Review status: no assertion criteria provided. Collection method: research. Allele origin: maternal. Affected: yes. Study: CSER-PediSeq. Not counted in ClinVar's aggregate classification.

NM_001384474.1(LOXHD1):c.5740G>A (p.Gly1914Arg)

Gene: LOXHD1 (lipoxygenase homology PLAT domains 1; minus strand). Cytogenetic location: 18q21.1.
Variant type: single nucleotide variant.
Coding change: c.5740G>A on transcript NM_001384474.1 (MANE Select); coding-DNA position 5740, G replaced by A.
Protein change: p.Gly1914Arg; replaces glycine 1914 with arginine.
Molecular consequence: missense variant.
Genome position (GRCh38, 1-based): chr18:46,505,976, C>T on the plus strand (G>A on the coding strand, the complement: LOXHD1 is on the minus strand). VCF-style: chr18-46505976-C-T. GRCh37 (hg19) VCF-style: chr18-44085939-C-T.
Other names: c.2407G>A, p.Gly803Arg (NM_001145472.3); c.457G>A, p.Gly153Arg (NM_001145473.3, NM_001173129.2); c.2119G>A, p.Gly707Arg (NM_001308013.2); c.5554G>A, p.Gly1852Arg (NM_144612.7); short protein forms G1852R, G803R, G153R, G707R, G1914R.
Identifiers: ClinVar variation 179610 (VCV000179610.5), dbSNP rs727504988, ClinGen allele CA184777.
Genomic context (GRCh38, chr18:46,505,976, plus strand): 5'-TGTTCCGCTCAAACTTGTTCCAGTTTGCCGACTGCTTCAGGGCCAGTGTCCCACTATCCC[C>T]GTTCTCCCCGAAGATGATGATGAACACGTTGGCATCAGTGCCTGCTCCTGGGGGGTGCAC-3'
Protein context (NP_001371403.1, residues 1904-1924): NVFIIIFGEN[Gly1914Arg]DSGTLALKQS